The following is an entry in ClinVar:

NM_001395159.1(UNC79):c.1204C>T (p.Arg402Trp)

Gene: UNC79 (unc-79 homolog, NALCN channel complex subunit; plus strand). Cytogenetic location: 14q32.12.
Variant type: single nucleotide variant.
Coding change: c.1204C>T on transcript NM_001395159.1 (MANE Select); coding-DNA position 1204, C replaced by T.
Protein change: p.Arg402Trp; replaces arginine 402 with tryptophan.
Molecular consequence: missense variant.
Genome position (GRCh38, 1-based): chr14:93,538,070, C>T. VCF-style: chr14-93538070-C-T. GRCh37 (hg19) VCF-style: chr14-94004416-C-T.
Other names: c.1204C>T, p.Arg402Trp (NM_001346218.2); c.673C>T, p.Arg225Trp (NM_020818.5); short protein forms R225W, R402W.
Identifiers: ClinVar variation 2333887 (VCV002333887.3), dbSNP rs2548532467, ClinGen allele CA390782667.
Genomic context (GRCh38, chr14:93,538,070, plus strand): 5'-AGAGCAGTTGTCACCTGCTTCTCAGCAGGGTGCTGTGGTCGTCACGGAAACAGGCCTGTT[C>T]GGTACTGCAAGAGGTGCCACTCAAATCATCACAGTAATGAAGTGGGGGCCGCTGCGGAGA-3'
Protein context (NP_001382088.1, residues 392-412): CCGRHGNRPV[Arg402Trp]YCKRCHSNHH

ClinVar aggregate classification (germline): Uncertain significance (1 of 4 stars; one submission).

Conditions:
Inborn genetic diseases. Identifiers: MedGen C0950123, MeSH D030342.

Submission:

Ambry Genetics
Classification: Uncertain significance for Inborn genetic diseases. Last evaluated: 2024-08-16. Review status: criteria provided, single submitter. Criteria: Ambry Variant Classification Scheme 2023. Collection method: clinical testing. Allele origin: germline.
Comment: The c.673C>T (p.R225W) alteration is located in exon 12 (coding exon 9) of the UNC79 gene. This alteration results from a C to T substitution at nucleotide position 673, causing the arginine (R) at amino acid position 225 to be replaced by a tryptophan (W). This variant was not reported in population-based cohorts in the Genome Aggregation Database (gnomAD). This amino acid position is highly conserved in available vertebrate species. The in silico prediction for this alteration is inconclusive. Based on insufficient or conflicting evidence, the clinical significance of this alteration remains unclear.